The following is an entry in ClinVar:

NM_004447.6(EPS8):c.60-33TTA[16]

Gene: EPS8 (EGFR pathway substrate 8, signaling adaptor; minus strand). Cytogenetic location: 12p12.3.
Variant type: Microsatellite.
Coding change: c.60-33TTA[16] on transcript NM_004447.6 (MANE Select); 16 copies in a row of the 3-base unit TTA starting at c.60-33; the reference has ten copies in a row; six copies, 18 bases duplicated.
Molecular consequence: intron variant.
Genome position (GRCh38, 1-based): chr12:15,681,306-15,681,323, TAATAATAATAATAATAA duplicated on the plus strand (TTATTATTATTATTATTA on the coding strand, the reverse complement: EPS8 is on the minus strand); duplicating any 18 consecutive bases within chr12:15,681,306-15,681,337 gives the same sequence; the position shown is the placement nearest the transcript's 3' end. VCF-style (leftmost placement, unchanged base first): chr12-15681305-G-GTAATAATAATAATAATAA. GRCh37 (hg19) VCF-style: chr12-15834239-G-GTAATAATAATAATAATAA.
Other names: c.-104-10412TTA[16] (NM_001413836.1); c.-105+1558TTA[16] (NM_001413835.1); c.60-33TTA[16] (NM_001413831.1, NM_001413832.1, NM_001413833.1 and 3 more transcripts); c.-362-33TTA[16] (NM_001413837.1).
Identifiers: ClinVar variation 3716710 (VCV003716710.1).

ClinVar aggregate classification (germline): Uncertain significance (1 of 4 stars; one submission).

Submission:

Labcorp Genetics (formerly Invitae), Labcorp
Classification: Uncertain significance. Last evaluated: 2024-08-01. Review status: criteria provided, single submitter. Criteria: Invitae Variant Classification Sherloc (09022015). Collection method: clinical testing. Allele origin: germline.
Comment: This sequence change falls in intron 2 of the EPS8 gene. It does not directly change the encoded amino acid sequence of the EPS8 protein. This variant is not present in population databases (gnomAD no frequency). This variant has not been reported in the literature in individuals affected with EPS8-related conditions. Experimental studies and prediction algorithms are not available or were not evaluated, and the effect of this variant on mRNA splicing is currently unknown. In summary, the available evidence is currently insufficient to determine the role of this variant in disease. Therefore, it has been classified as a Variant of Uncertain Significance.